The following is an entry in ClinVar:

ClinVar aggregate classification (germline): Uncertain significance (1 of 4 stars; one submission).

Conditions:
Spondyloepiphyseal dysplasia with congenital joint dislocations (SEDCJD). Also called: Chondrodysplasia with Congenital Joint Dislocations, CHST3-Related. Identifiers: Orphanet 263463, MedGen C1837657, MONDO:0007738, OMIM 143095.

Allele frequency attached by ClinVar (database versions not stated): TOPMed 0.00001.
gnomAD v4.1: 2 of 1,602,716 alleles (0.00012%); highest among the groups gnomAD compares: Non-Finnish European, 0.000085%; no homozygotes.

Submission:

Labcorp Genetics (formerly Invitae), Labcorp
Classification: Uncertain significance for Spondyloepiphyseal dysplasia with congenital joint dislocations. Last evaluated: 2024-02-21. Review status: criteria provided, single submitter. Criteria: Invitae Variant Classification Sherloc (09022015). Collection method: clinical testing. Allele origin: germline.
Comment: This sequence change replaces arginine, which is basic and polar, with glutamine, which is neutral and polar, at codon 132 of the CHST3 protein (p.Arg132Gln). This variant is not present in population databases (gnomAD no frequency). This variant has not been reported in the literature in individuals affected with CHST3-related conditions. ClinVar contains an entry for this variant (Variation ID: 2153837). Advanced modeling of protein sequence and biophysical properties (such as structural, functional, and spatial information, amino acid conservation, physicochemical variation, residue mobility, and thermodynamic stability) performed at Invitae indicates that this missense variant is not expected to disrupt CHST3 protein function with a negative predictive value of 80%. In summary, the available evidence is currently insufficient to determine the role of this variant in disease. Therefore, it has been classified as a Variant of Uncertain Significance.

NM_004273.5(CHST3):c.395G>A (p.Arg132Gln)

Gene: CHST3 (carbohydrate sulfotransferase 3; plus strand). Cytogenetic location: 10q22.1.
Variant type: single nucleotide variant.
Coding change: c.395G>A on transcript NM_004273.5 (MANE Select); coding-DNA position 395, G replaced by A.
Protein change: p.Arg132Gln; replaces arginine 132 with glutamine.
Molecular consequence: missense variant.
Genome position (GRCh38, 1-based): chr10:72,007,426, G>A. VCF-style: chr10-72007426-G-A. GRCh37 (hg19) VCF-style: chr10-73767184-G-A.
Other names: short protein forms R132Q.
Identifiers: ClinVar variation 2153837 (VCV002153837.3), dbSNP rs1339737147, ClinGen allele CA377143614.